The following is an entry in ClinVar:

ClinVar aggregate classification (germline): Uncertain significance (1 of 4 stars; one submission).

Conditions:
Dyskeratosis congenita. Identifiers: Orphanet 1775, MedGen C0265965, MONDO:0015780.

Allele frequency attached by ClinVar (database versions not stated): gnomAD 0.00001; TOPMed 0.00001.

Submission:

Labcorp Genetics (formerly Invitae), Labcorp
Classification: Uncertain significance for Dyskeratosis congenita. Last evaluated: 2023-11-07. Review status: criteria provided, single submitter. Criteria: Invitae Variant Classification Sherloc (09022015). Collection method: clinical testing. Allele origin: germline.
Comment: This sequence change creates a premature translational stop signal (p.Glu308*) in the TINF2 gene. It is expected to result in an absent or disrupted protein product. However, the current clinical and genetic evidence is not sufficient to establish whether loss-of-function variants in TINF2 cause disease. This variant is present in population databases (no rsID available, gnomAD 0.004%). This variant has not been reported in the literature in individuals affected with TINF2-related conditions. ClinVar contains an entry for this variant (Variation ID: 838478). Algorithms developed to predict the effect of sequence changes on RNA splicing suggest that this variant may disrupt the consensus splice site. In summary, the available evidence is currently insufficient to determine the role of this variant in disease. Therefore, it has been classified as a Variant of Uncertain Significance.

NM_001099274.3(TINF2):c.922G>T (p.Glu308Ter)

Gene: TINF2 (TERF1 interacting nuclear factor 2; minus strand). Cytogenetic location: 14q12.
Variant type: single nucleotide variant.
Coding change: c.922G>T on transcript NM_001099274.3 (MANE Select); coding-DNA position 922, G replaced by T.
Protein change: p.Glu308Ter; replaces glutamic acid 308 with a stop codon.
Molecular consequence: nonsense.
Genome position (GRCh38, 1-based): chr14:24,240,558, C>A on the plus strand (G>T on the coding strand, the complement: TINF2 is on the minus strand). VCF-style: chr14-24240558-C-A. GRCh37 (hg19) VCF-style: chr14-24709764-C-A.
Other names: c.817G>T, p.Glu273Ter (NM_001363668.2); c.922G>T, p.Glu308Ter (NM_012461.3); short protein forms E273*, E308*.
Identifiers: ClinVar variation 838478 (VCV000838478.9), dbSNP rs1232383398, ClinGen allele CA389224750.